The following is an entry in ClinVar:

ClinVar aggregate classification (germline): Uncertain significance. Review status: criteria provided, multiple submitters, no conflicts (2 of 4 stars). 2 submissions from 2 submitters: Uncertain significance (2). Last evaluated 2025-11-24.

Conditions:
Inborn genetic diseases. Identifiers: MedGen C0950123, MeSH D030342.

Allele frequency attached by ClinVar (database versions not stated): gnomAD 0.00002.
gnomAD v4.1: 19 of 1,611,072 alleles (0.0012%); highest among the groups gnomAD compares: African/African-American, 0.004%; no homozygotes.

Submissions (2):

Ambry Genetics
Classification: Uncertain significance for Inborn genetic diseases. Last evaluated: 2025-11-24. Review status: criteria provided, single submitter. Criteria: Ambry Variant Classification Scheme 2023. Collection method: clinical testing. Allele origin: germline.

Labcorp Genetics (formerly Invitae), Labcorp
Classification: Uncertain significance. Last evaluated: 2023-01-26. Review status: criteria provided, single submitter. Criteria: Invitae Variant Classification Sherloc (09022015). Collection method: clinical testing. Allele origin: germline.
Comment: In summary, the available evidence is currently insufficient to determine the role of this variant in disease. Therefore, it has been classified as a Variant of Uncertain Significance. Algorithms developed to predict the effect of missense changes on protein structure and function are either unavailable or do not agree on the potential impact of this missense change (SIFT: "Deleterious"; PolyPhen-2: "Probably Damaging"; Align-GVGD: "Class C0"). This variant has not been reported in the literature in individuals affected with PDE2A-related conditions. This variant is present in population databases (no rsID available, gnomAD 0.006%). This sequence change replaces glycine, which is neutral and non-polar, with serine, which is neutral and polar, at codon 6 of the PDE2A protein (p.Gly6Ser).

NM_002599.5(PDE2A):c.16G>A (p.Gly6Ser)

Gene: PDE2A (phosphodiesterase 2A; minus strand). Cytogenetic location: 11q13.4.
Variant type: single nucleotide variant.
Coding change: c.16G>A on transcript NM_002599.5 (MANE Select); coding-DNA position 16, G replaced by A.
Protein change: p.Gly6Ser; replaces glycine 6 with serine.
Molecular consequence: missense variant.
Genome position (GRCh38, 1-based): chr11:72,674,192, C>T on the plus strand (G>A on the coding strand, the complement: PDE2A is on the minus strand). VCF-style: chr11-72674192-C-T. GRCh37 (hg19) VCF-style: chr11-72385236-C-T.
Other names: c.16G>A (NM_002599.4); short protein forms G6S.
Identifiers: ClinVar variation 2958168 (VCV002958168.4), dbSNP rs1240015122, ClinGen allele CA381758326.